The following is an entry in ClinVar:

NM_014687.4(RUBCN):c.1261+1378G>T

Gene: RUBCN (rubicon autophagy regulator; minus strand). Cytogenetic location: 3q29.
Variant type: single nucleotide variant.
Coding change: c.1261+1378G>T on transcript NM_014687.4 (MANE Select); 1378 bases into the intron after coding-DNA position 1261, G replaced by T.
Molecular consequence: intron variant.
Genome position (GRCh38, 1-based): chr3:197,699,235, C>A on the plus strand (G>T on the coding strand, the complement: RUBCN is on the minus strand). VCF-style: chr3-197699235-C-A. GRCh37 (hg19) VCF-style: chr3-197426106-C-A.
Other names: p.?; c.1082-4G>T (NM_001145642.5, NM_001145642.4); c.1262-4G>T (NM_001346873.2).
Identifiers: ClinVar variation 1174839 (VCV001174839.37), dbSNP rs531206446, ClinGen allele CA2787019.

ClinVar aggregate classification (germline): Likely benign. Review status: criteria provided, multiple submitters, no conflicts (2 of 4 stars). 6 submissions from 6 submitters: Likely benign (3). 3 of the submissions do not count toward it. Last evaluated 2025-10-02.

Allele frequency attached by ClinVar (database versions not stated): ExAC 0.00015; 1000 Genomes Project 0.00020; 1000 Genomes Project 30x 0.00031; gnomAD 0.00056 and 0.00057; gnomAD exomes 0.00059 and 0.00139; TOPMed 0.00059.
gnomAD v4.1: 2,008 of 1,546,452 alleles (0.13%); highest among the groups gnomAD compares: Non-Finnish European, 0.17%; 3 homozygotes.

Submissions (6):

Mayo Clinic Laboratories, Mayo Clinic
Classification: Likely benign. Last evaluated: 2025-10-02. Review status: criteria provided, single submitter. Criteria: ACMG Guidelines, 2015. Collection method: clinical testing. Allele origin: germline. Observed: 3 variant alleles.
Comment: BS1, BP4, BP7

Blueprint Genetics
Classification: Likely benign. Last evaluated: 2024-11-18. Review status: criteria provided, single submitter. Criteria: ACMG Guidelines, 2015. Collection method: clinical testing. Allele origin: germline.

CeGaT Center for Human Genetics Tuebingen
Classification: Likely benign. Last evaluated: 2022-08-01. Review status: criteria provided, single submitter. Criteria: CeGaT Center For Human Genetics Tuebingen Variant Classification Criteria Version 2. Collection method: clinical testing. Allele origin: germline. Affected: yes. Observed: 1 variant allele.
Comment: RUBCN: BP4

Clinical Genetics DNA and cytogenetics Diagnostics Lab, Erasmus MC, Erasmus Medical Center
Classification: Likely benign. Review status: no assertion criteria provided. Collection method: clinical testing. Allele origin: germline. Affected: yes. Study: VKGL Data-share Consensus. Not counted in ClinVar's aggregate classification.

Diagnostic Laboratory, Department of Genetics, University Medical Center Groningen
Classification: Likely benign. Review status: no assertion criteria provided. Collection method: clinical testing. Allele origin: germline. Affected: yes. Study: VKGL Data-share Consensus. Not counted in ClinVar's aggregate classification.

Laboratory of Diagnostic Genome Analysis, Leiden University Medical Center (LUMC)
Classification: Likely benign. Review status: no assertion criteria provided. Collection method: clinical testing. Allele origin: germline. Affected: yes. Study: VKGL Data-share Consensus. Not counted in ClinVar's aggregate classification.